The following is an entry in ClinVar:

ClinVar aggregate classification (germline): Pathogenic (1 of 4 stars; one submission).

Conditions:
Alstrom syndrome (ALMS). Identifiers: Orphanet 64, MedGen C0268425, MONDO:0008763, OMIM 203800.

Submission:

Labcorp Genetics (formerly Invitae), Labcorp
Classification: Pathogenic for Alstrom syndrome. Last evaluated: 2023-01-26. Review status: criteria provided, single submitter. Criteria: Invitae Variant Classification Sherloc (09022015). Collection method: clinical testing. Allele origin: germline.
Comment: This variant has not been reported in the literature in individuals affected with ALMS1-related conditions. This variant is not present in population databases (gnomAD no frequency). This sequence change creates a premature translational stop signal (p.Thr186Argfs*35) in the ALMS1 gene. It is expected to result in an absent or disrupted protein product. Loss-of-function variants in ALMS1 are known to be pathogenic (PMID: 17594715). For these reasons, this variant has been classified as Pathogenic.

Literature cited by the submitters: PubMed 17594715.

NM_001378454.1(ALMS1):c.554_555del (p.Thr185fs)

Gene: ALMS1 (ALMS1 centrosome and basal body associated protein; plus strand). Cytogenetic location: 2p13.1.
Variant type: Deletion.
Coding change: c.554_555del on transcript NM_001378454.1 (MANE Select); coding-DNA positions 554 to 555, 2 bases deleted (CA; older notation c.554_555delCA).
Protein change: p.Thr185fs; shifts the reading frame from threonine 185.
Molecular consequence: frameshift variant.
Genome position (GRCh38, 1-based): chr2:73,419,226-73,419,227, CA deleted; deleting any 2 consecutive bases within chr2:73,419,225-73,419,227 gives the same sequence; the c. name uses the placement nearest the transcript's 3' end. VCF-style (leftmost placement, unchanged base first): chr2-73419224-GAC-G. GRCh37 (hg19) VCF-style: chr2-73646352-GAC-G.
Other names: c.557_558del, p.Thr186fs (NM_015120.4); short protein forms T185fs, T186fs.
Identifiers: ClinVar variation 2832062 (VCV002832062.3), dbSNP rs2466036415, ClinGen allele CA2739271062.